The following is an entry in ClinVar:

ClinVar aggregate classification (germline): Uncertain significance (1 of 4 stars; one submission).

Submission:

Labcorp Genetics (formerly Invitae), Labcorp
Classification: Uncertain significance. Last evaluated: 2023-02-17. Review status: criteria provided, single submitter. Criteria: Invitae Variant Classification Sherloc (09022015). Collection method: clinical testing. Allele origin: germline.
Comment: In summary, the available evidence is currently insufficient to determine the role of this variant in disease. Therefore, it has been classified as a Variant of Uncertain Significance. Advanced modeling of protein sequence and biophysical properties (such as structural, functional, and spatial information, amino acid conservation, physicochemical variation, residue mobility, and thermodynamic stability) has been performed at Invitae for this missense variant, however the output from this modeling did not meet the statistical confidence thresholds required to predict the impact of this variant on CACNA1E protein function. This sequence change replaces glutamine, which is neutral and polar, with arginine, which is basic and polar, at codon 35 of the CACNA1E protein (p.Gln35Arg). This variant has not been reported in the literature in individuals affected with CACNA1E-related conditions. This variant is not present in population databases (gnomAD no frequency).

NM_001205293.3(CACNA1E):c.104A>G (p.Gln35Arg)

Gene: CACNA1E (calcium voltage-gated channel subunit alpha1 E; plus strand). Cytogenetic location: 1q25.3.
Variant type: single nucleotide variant.
Coding change: c.104A>G on transcript NM_001205293.3 (MANE Select); coding-DNA position 104, A replaced by G.
Protein change: p.Gln35Arg; replaces glutamine 35 with arginine.
Molecular consequence: missense variant.
Genome position (GRCh38, 1-based): chr1:181,483,848, A>G. VCF-style: chr1-181483848-A-G. GRCh37 (hg19) VCF-style: chr1-181452984-A-G.
Other names: c.104A>G, p.Gln35Arg (NM_000721.4, NM_001205294.2); short protein forms Q35R.
Identifiers: ClinVar variation 2802021 (VCV002802021.3), dbSNP rs2526275809, ClinGen allele CA343844349.